The following is an entry in ClinVar:

ClinVar aggregate classification (germline): Uncertain significance (1 of 4 stars; one submission).

Conditions:
Nephronophthisis 15 (NPHP15). Identifiers: Orphanet 3156, MedGen C3541853, MONDO:0013917, OMIM 614845.

Submission:

Labcorp Genetics (formerly Invitae), Labcorp
Classification: Uncertain significance for Nephronophthisis 15. Last evaluated: 2021-08-27. Review status: criteria provided, single submitter. Criteria: Invitae Variant Classification Sherloc (09022015). Collection method: clinical testing. Allele origin: germline.
Comment: In summary, the available evidence is currently insufficient to determine the role of this variant in disease. Therefore, it has been classified as a Variant of Uncertain Significance. This sequence change replaces proline with serine at codon 1055 of the CEP164 protein (p.Pro1055Ser). The proline residue is moderately conserved and there is a moderate physicochemical difference between proline and serine. This variant is not present in population databases (ExAC no frequency). This variant has not been reported in the literature in individuals affected with CEP164-related conditions. Algorithms developed to predict the effect of missense changes on protein structure and function output the following: SIFT: "Tolerated"; PolyPhen-2: "Benign"; Align-GVGD: "Class C0". The serine amino acid residue is found in multiple mammalian species, which suggests that this missense change does not adversely affect protein function.

NM_014956.5(CEP164):c.3163C>T (p.Pro1055Ser)

Gene: CEP164 (centrosomal protein 164; plus strand). Cytogenetic location: 11q23.3.
Variant type: single nucleotide variant.
Coding change: c.3163C>T on transcript NM_014956.5 (MANE Select); coding-DNA position 3163, C replaced by T.
Protein change: p.Pro1055Ser; replaces proline 1055 with serine.
Molecular consequence: missense variant.
Genome position (GRCh38, 1-based): chr11:117,396,127, C>T. VCF-style: chr11-117396127-C-T. GRCh37 (hg19) VCF-style: chr11-117266843-C-T.
Other names: c.3172C>T, p.Pro1058Ser (NM_001271933.2); short protein forms P1058S, P1055S.
Identifiers: ClinVar variation 1501412 (VCV001501412.5), dbSNP rs2136466815, ClinGen allele CA382733277.